The following is an entry in ClinVar:

NM_024312.5(GNPTAB):c.2611G>A (p.Gly871Ser)

Gene: GNPTAB (N-acetylglucosamine-1-phosphate transferase subunits alpha and beta; minus strand). Cytogenetic location: 12q23.2.
Variant type: single nucleotide variant.
Coding change: c.2611G>A on transcript NM_024312.5 (MANE Select); coding-DNA position 2611, G replaced by A.
Protein change: p.Gly871Ser; replaces glycine 871 with serine.
Molecular consequence: missense variant.
Genome position (GRCh38, 1-based): chr12:101,764,306, C>T on the plus strand (G>A on the coding strand, the complement: GNPTAB is on the minus strand). VCF-style: chr12-101764306-C-T. GRCh37 (hg19) VCF-style: chr12-102158084-C-T.
Other names: short protein forms G871S.
Identifiers: ClinVar variation 167153 (VCV000167153.35), dbSNP rs56212569, ClinGen allele CA180091.

ClinVar aggregate classification (germline): Benign/Likely benign. Review status: criteria provided, multiple submitters, no conflicts (2 of 4 stars). 9 submissions from 8 submitters: Benign (5); Likely benign (3). 1 of the submissions does not count toward it. Last evaluated 2026-02-04.

Conditions:
Mucolipidosis type II. Also called: Mucolipidosis II Alpha/Beta; Mucolipidosis 2; ML 2; Inclusion cell disease; Leroy Disease; N-acetylglucosamine 1phosphotransferase deficiency. Identifiers: Orphanet 576, MedGen C2673377, MONDO:0009650, OMIM 252500.
Pseudo-Hurler polydystrophy. Also called: Type III Mucolipidosis; ML IIIA; Mucolipidosis III Alpha/Beta; MUCOLIPIDOSIS IIIA; ML III; ML III ALPHA/BETA. Identifiers: Orphanet 423461, Orphanet 577, MedGen C0033788, MONDO:0018931, OMIM 252600.

Allele frequency attached by ClinVar (database versions not stated): gnomAD 0.01207 and 0.01132; ExAC 0.00382; 1000 Genomes Project 0.01278; ESP Exome Variant Server 0.01322; gnomAD exomes 0.00100 and 0.00310; 1000 Genomes Project 30x 0.01296; TOPMed 0.01325.
gnomAD v4.1: 3,296 of 1,613,954 alleles (0.2%); highest among the groups gnomAD compares: African/African-American, 3.8%; 72 homozygotes.

Submissions (9):

Labcorp Genetics (formerly Invitae), Labcorp
Classification: Benign for Pseudo-Hurler polydystrophy; Mucolipidosis type II. Last evaluated: 2026-02-04. Review status: criteria provided, single submitter. Criteria: Invitae Variant Classification Sherloc (09022015). Collection method: clinical testing. Allele origin: germline.

Mayo Clinic Laboratories, Mayo Clinic
Classification: Benign. Last evaluated: 2022-11-21. Review status: criteria provided, single submitter. Criteria: ACMG Guidelines, 2015. Collection method: clinical testing. Allele origin: germline. Observed: 11 variant alleles.
Comment: BA1, BP4

GeneDx
Classification: Likely benign. Last evaluated: 2020-02-01. Review status: criteria provided, single submitter. Criteria: GeneDx Variant Classification Process June 2021. Collection method: clinical testing. Allele origin: germline. Affected: yes.

Illumina Laboratory Services, Illumina
Classification: Benign for Mucolipidosis type II. Last evaluated: 2018-01-13. Review status: criteria provided, single submitter. Criteria: ICSL Variant Classification Criteria 13 December 2019. Collection method: clinical testing. Allele origin: germline.
Comment: This variant was observed in the ICSL laboratory as part of a predisposition screen in an ostensibly healthy population. It had not been previously curated by ICSL or reported in the Human Gene Mutation Database (HGMD: prior to June 1st, 2018), and was therefore a candidate for classification through an automated scoring system. Utilizing variant allele frequency, disease prevalence and penetrance estimates, and inheritance mode, an automated score was calculated to assess if this variant is too frequent to cause the disease. Based on the score and internal cut-off values, a variant classified as benign is not then subjected to further curation. The score for this variant resulted in a classification of benign for this disease.

Illumina Laboratory Services, Illumina
Classification: Benign for Pseudo-Hurler polydystrophy. Last evaluated: 2018-01-13. Review status: criteria provided, single submitter. Criteria: ICSL Variant Classification Criteria 13 December 2019. Collection method: clinical testing. Allele origin: germline.
Comment: the same text as in the submission from Illumina Laboratory Services, Illumina above.

Center for Pediatric Genomic Medicine, Children's Mercy Hospital and Clinics
Classification: Likely benign. Last evaluated: 2015-08-26. Review status: criteria provided, single submitter. Criteria: ACMG Guidelines, 2015. Collection method: clinical testing. Allele origin: germline.
ClinVar note: Converted during submission from Likely Benign to Likely benign.

Eurofins Ntd Llc (ga)
Classification: Benign. Last evaluated: 2014-03-24. Review status: criteria provided, single submitter. Criteria: EGL Classification Definitions 2015. Collection method: clinical testing. Allele origin: germline. Observed: 1 variant allele, 1 heterozygote.

Breakthrough Genomics
Classification: Likely benign. Review status: criteria provided, single submitter. Criteria: ACMG Guidelines, 2015. Collection method: not provided. Allele origin: germline. Inheritance: Autosomal recessive inheritance. Affected: yes.

Natera, Inc.
Classification: Benign for Mucolipidosis type II. Last evaluated: 2019-12-04. Review status: no assertion criteria provided. Collection method: clinical testing. Allele origin: germline. Not counted in ClinVar's aggregate classification.